The following is an entry in ClinVar:

NM_000548.5(TSC2):c.4140G>A (p.Gln1380=)

Gene: TSC2 (TSC complex subunit 2; plus strand). Cytogenetic location: 16p13.3.
Variant type: single nucleotide variant.
Coding change: c.4140G>A on transcript NM_000548.5 (MANE Select); coding-DNA position 4140, G replaced by A.
Protein change: p.Gln1380=; no amino-acid change (glutamine 1380 retained).
Molecular consequence: synonymous variant.
Genome position (GRCh38, 1-based): chr16:2,084,362, G>A. VCF-style: chr16-2084362-G-A. GRCh37 (hg19) VCF-style: chr16-2134363-G-A.
Other names: c.3939G>A, p.Gln1313= (NM_001077183.3); c.4071G>A, p.Gln1357= (NM_001114382.3); c.3831G>A, p.Gln1277= (NM_001318827.2); c.3795G>A, p.Gln1265= (NM_001318829.2); c.3408G>A, p.Gln1136= (NM_001318831.2); c.3972G>A, p.Gln1324= (NM_001318832.2); c.3942G>A, p.Gln1314= (NM_001363528.2); c.4008G>A, p.Gln1336= (NM_001370404.1); and 1 more.
Identifiers: ClinVar variation 761488 (VCV000761488.14), dbSNP rs1596416227, ClinGen allele CA493043082.

ClinVar aggregate classification (germline): Benign/Likely benign. Review status: criteria provided, multiple submitters, no conflicts (2 of 4 stars). 3 submissions from 3 submitters: Benign (1); Likely benign (2). Last evaluated 2025-06-02.

Conditions:
Hereditary cancer-predisposing syndrome. Also called: Tumor predisposition; Hereditary Cancer Syndrome; Neoplastic Syndromes, Hereditary; Hereditary neoplastic syndrome. Identifiers: Orphanet 140162, MedGen C0027672, MeSH D009386, MONDO:0015356.
Tuberous sclerosis 2 (TSC2). Identifiers: Orphanet 805, MedGen C1860707, MONDO:0013199, OMIM 613254.

Allele frequency attached by ClinVar (database versions not stated): gnomAD exomes 0.00001.
gnomAD v4.1: 3 of 1,612,614 alleles (0.00019%); highest among the groups gnomAD compares: Non-Finnish European, 0.00025%; no homozygotes.

Submissions (3):

Myriad Genetics, Inc.
Classification: Benign for Tuberous sclerosis 2. Last evaluated: 2025-06-02. Review status: criteria provided, single submitter. Criteria: Myriad Autosomal Dominant, Autosomal Recessive and X-Linked Classification Criteria (2023). Collection method: clinical testing. Allele origin: unknown.
Comment: This variant is considered benign. This variant is a silent/synonymous amino acid change and it is not expected to impact splicing.

Labcorp Genetics (formerly Invitae), Labcorp
Classification: Likely benign for Tuberous sclerosis 2. Last evaluated: 2024-10-21. Review status: criteria provided, single submitter. Criteria: Invitae Variant Classification Sherloc (09022015). Collection method: clinical testing. Allele origin: germline.

Ambry Genetics
Classification: Likely benign for Hereditary cancer-predisposing syndrome. Last evaluated: 2022-10-20. Review status: criteria provided, single submitter. Criteria: Ambry Variant Classification Scheme 2023. Collection method: clinical testing. Allele origin: germline.